The following is an entry in ClinVar:

NM_032119.4(ADGRV1):c.18089T>C (p.Val6030Ala)

Gene: ADGRV1 (adhesion G protein-coupled receptor V1; plus strand). Cytogenetic location: 5q14.3.
Variant type: single nucleotide variant.
Coding change: c.18089T>C on transcript NM_032119.4 (MANE Select); coding-DNA position 18089, T replaced by C.
Protein change: p.Val6030Ala; replaces valine 6030 with alanine.
Molecular consequence: missense variant. On other transcripts: non-coding transcript variant (1).
Genome position (GRCh38, 1-based): chr5:90,985,459, T>C. VCF-style: chr5-90985459-T-C. GRCh37 (hg19) VCF-style: chr5-90281276-T-C.
Other names: short protein forms V6030A.
Identifiers: ClinVar variation 1434779 (VCV001434779.5), dbSNP rs973893068, ClinGen allele CA122930963.

ClinVar aggregate classification (germline): Uncertain significance (1 of 4 stars; one submission).

Allele frequency attached by ClinVar (database versions not stated): gnomAD exomes below 0.00001; TOPMed 0.00001.
gnomAD v4.1: 2 of 1,613,846 alleles (0.00012%); highest among the groups gnomAD compares: Admixed American, 0.0033%; no homozygotes.

Submission:

Labcorp Genetics (formerly Invitae), Labcorp
Classification: Uncertain significance. Last evaluated: 2022-07-05. Review status: criteria provided, single submitter. Criteria: Invitae Variant Classification Sherloc (09022015). Collection method: clinical testing. Allele origin: germline.
Comment: This sequence change replaces valine, which is neutral and non-polar, with alanine, which is neutral and non-polar, at codon 6030 of the ADGRV1 protein (p.Val6030Ala). This variant is not present in population databases (gnomAD no frequency). This variant has not been reported in the literature in individuals affected with ADGRV1-related conditions. ClinVar contains an entry for this variant (Variation ID: 1434779). Algorithms developed to predict the effect of missense changes on protein structure and function output the following: SIFT: "Deleterious"; PolyPhen-2: "Possibly Damaging"; Align-GVGD: "Class C0". The alanine amino acid residue is found in multiple mammalian species, which suggests that this missense change does not adversely affect protein function. In summary, the available evidence is currently insufficient to determine the role of this variant in disease. Therefore, it has been classified as a Variant of Uncertain Significance.